The following is an entry in ClinVar:

NM_021930.6(RINT1):c.840-1G>C

Gene: RINT1 (RAD50 interactor 1; plus strand). Cytogenetic location: 7q22.3.
Variant type: single nucleotide variant.
Coding change: c.840-1G>C on transcript NM_021930.6 (MANE Select); the canonical splice acceptor site of the intron before coding-DNA position 840, G replaced by C.
Molecular consequence: splice acceptor variant. On other transcripts: intron variant (2).
Genome position (GRCh38, 1-based): chr7:105,548,553, G>C. VCF-style: chr7-105548553-G-C. GRCh37 (hg19) VCF-style: chr7-105189000-G-C.
Other names: c.-180-1G>C (NM_001346600.2); c.-83-3G>C (NM_001346601.2); c.-27-1502G>C (NM_001346603.2); c.606-1G>C (NM_001346599.2).
Identifiers: ClinVar variation 1957545 (VCV001957545.5), dbSNP rs1790781071, ClinGen allele CA368807800.

ClinVar aggregate classification (germline): Likely pathogenic (1 of 4 stars; one submission).

Allele frequency attached by ClinVar (database versions not stated): gnomAD 0.00001.
gnomAD v4.1: 1 of 1,613,892 alleles (0.000062%); highest among the groups gnomAD compares: Admixed American, 0.0017%; no homozygotes.

Submission:

Labcorp Genetics (formerly Invitae), Labcorp
Classification: Likely pathogenic. Last evaluated: 2022-10-03. Review status: criteria provided, single submitter. Criteria: Invitae Variant Classification Sherloc (09022015). Collection method: clinical testing. Allele origin: germline.
Comment: This sequence change affects an acceptor splice site in intron 6 of the RINT1 gene. It is expected to disrupt RNA splicing. Variants that disrupt the donor or acceptor splice site typically lead to a loss of protein function (PMID: 16199547), and loss-of-function variants in RINT1 are known to be pathogenic (PMID: 31204009). This variant is not present in population databases (gnomAD no frequency). In summary, the currently available evidence indicates that the variant is pathogenic, but additional data are needed to prove that conclusively. Therefore, this variant has been classified as Likely Pathogenic. Algorithms developed to predict the effect of sequence changes on RNA splicing suggest that this variant may disrupt the consensus splice site. This variant has not been reported in the literature in individuals affected with RINT1-related conditions.

Literature cited by the submitters: PubMed 16199547; PubMed 31204009.